The following is an entry in ClinVar:

ClinVar aggregate classification (germline): Uncertain significance. Review status: criteria provided, multiple submitters, no conflicts (2 of 4 stars). 2 submissions from 2 submitters: Uncertain significance (2). Last evaluated 2025-05-28.

Conditions:
Inborn genetic diseases. Identifiers: MedGen C0950123, MeSH D030342.

Allele frequency attached by ClinVar (database versions not stated): gnomAD 0.00001; ESP Exome Variant Server 0.00008; gnomAD exomes below 0.00001; TOPMed 0.00002; ExAC 0.00002.
gnomAD v4.1: 3 of 1,613,598 alleles (0.00019%); highest among the groups gnomAD compares: African/African-American, 0.004%; no homozygotes.

Submissions (2):

Ambry Genetics
Classification: Uncertain significance for Inborn genetic diseases. Last evaluated: 2025-05-28. Review status: criteria provided, single submitter. Criteria: Ambry Variant Classification Scheme 2023. Collection method: clinical testing. Allele origin: germline.

Labcorp Genetics (formerly Invitae), Labcorp
Classification: Uncertain significance. Last evaluated: 2025-03-18. Review status: criteria provided, single submitter. Criteria: Invitae Variant Classification Sherloc (09022015). Collection method: clinical testing. Allele origin: germline.
Comment: This sequence change replaces aspartic acid, which is acidic and polar, with asparagine, which is neutral and polar, at codon 223 of the ACAN protein (p.Asp223Asn). This variant is present in population databases (rs374644024, gnomAD 0.02%). This variant has not been reported in the literature in individuals affected with ACAN-related conditions. ClinVar contains an entry for this variant (Variation ID: 2321282). Invitae Evidence Modeling of protein sequence and biophysical properties (such as structural, functional, and spatial information, amino acid conservation, physicochemical variation, residue mobility, and thermodynamic stability) indicates that this missense variant is not expected to disrupt ACAN protein function with a negative predictive value of 80%. In summary, the available evidence is currently insufficient to determine the role of this variant in disease. Therefore, it has been classified as a Variant of Uncertain Significance.

NM_001369268.1(ACAN):c.667G>A (p.Asp223Asn)

Gene: ACAN (aggrecan; plus strand). Cytogenetic location: 15q26.1.
Variant type: single nucleotide variant.
Coding change: c.667G>A on transcript NM_001369268.1 (MANE Select); coding-DNA position 667, G replaced by A.
Protein change: p.Asp223Asn; replaces aspartic acid 223 with asparagine.
Molecular consequence: missense variant.
Genome position (GRCh38, 1-based): chr15:88,841,777, G>A. VCF-style: chr15-88841777-G-A. GRCh37 (hg19) VCF-style: chr15-89385008-G-A.
Other names: c.667G>A, p.Asp223Asn (NM_001135.4, NM_001411096.1, NM_001411097.1 and 1 more transcripts); short protein forms D223N.
Identifiers: ClinVar variation 2321282 (VCV002321282.6), dbSNP rs374644024, ClinGen allele CA7719317.